The following is an entry in ClinVar:

ClinVar aggregate classification (germline): Uncertain significance (1 of 4 stars; one submission).

Conditions:
Mitochondrial complex II deficiency, nuclear type 1. Also called: SUCCINATE CoQ REDUCTASE DEFICIENCY. Identifiers: Orphanet 3208, MedGen C5700310, MONDO:0100294, OMIM 252011.
Pheochromocytoma/paraganglioma syndrome 5. Also called: Paragangliomas 5; SDHA-Related Hereditary Paraganglioma-Pheochromocytoma Syndrome. Identifiers: Orphanet 29072, MedGen C3279992, MONDO:0013602, OMIM 614165.

Submission:

Labcorp Genetics (formerly Invitae), Labcorp
Classification: Uncertain significance for Pheochromocytoma/paraganglioma syndrome 5; Mitochondrial complex II deficiency, nuclear type 1. Last evaluated: 2021-09-04. Review status: criteria provided, single submitter. Criteria: Invitae Variant Classification Sherloc (09022015). Collection method: clinical testing. Allele origin: germline.
Comment: This sequence change falls in intron 11 of the SDHA gene. It does not directly change the encoded amino acid sequence of the SDHA protein. This variant is not present in population databases (ExAC no frequency). This variant has not been reported in the literature in individuals affected with SDHA-related conditions. Algorithms developed to predict the effect of sequence changes on RNA splicing suggest that this variant may disrupt the consensus splice site. In summary, the available evidence is currently insufficient to determine the role of this variant in disease. Therefore, it has been classified as a Variant of Uncertain Significance.

NM_004168.4(SDHA):c.1552-3_1552-2del

Gene: SDHA (succinate dehydrogenase complex flavoprotein subunit A; plus strand). Cytogenetic location: 5p15.33.
Variant type: Microsatellite.
Coding change: c.1552-3_1552-2del on transcript NM_004168.4 (MANE Select); 3 bases into the intron before coding-DNA position 1552 through the canonical splice acceptor site of the intron before coding-DNA position 1552, 2 bases deleted (CA; older notation c.1552-3_1552-2delCA).
Molecular consequence: splice acceptor variant. On other transcripts: intron variant (1).
Genome position (GRCh38, 1-based): chr5:250,989-250,990, CA deleted; deleting any 2 consecutive bases within chr5:250,987-250,990 gives the same sequence; the c. name uses the placement nearest the transcript's 3' end. VCF-style (leftmost placement, unchanged base first): chr5-250986-CCA-C. GRCh37 (hg19) VCF-style: chr5-251101-CCA-C.
Other names: c.1552-3404_1552-3403del (NM_001330758.2); c.1408-3_1408-2del (NM_001294332.2).
Identifiers: ClinVar variation 1472604 (VCV001472604.6), dbSNP rs2126631914, ClinGen allele CA2580613490.